The following is an entry in ClinVar:

ClinVar aggregate classification (germline): Uncertain significance (1 of 4 stars; one submission).

Conditions:
Inborn genetic diseases. Identifiers: MedGen C0950123, MeSH D030342.

Submission:

Ambry Genetics
Classification: Uncertain significance for Inborn genetic diseases. Last evaluated: 2021-12-27. Review status: criteria provided, single submitter. Criteria: Ambry Variant Classification Scheme 2023. Collection method: clinical testing. Allele origin: germline.
Comment: The p.L187S variant (also known as c.560T>C), located in coding exon 6 of the MDH2 gene, results from a T to C substitution at nucleotide position 560. The leucine at codon 187 is replaced by serine, an amino acid with dissimilar properties. This amino acid position is conserved. In addition, this alteration is predicted to be deleterious by in silico analysis. Since supporting evidence is limited at this time, the clinical significance of this alteration remains unclear.

NM_005918.4(MDH2):c.560T>C (p.Leu187Ser)

Gene: MDH2 (malate dehydrogenase 2; plus strand). Cytogenetic location: 7q11.23.
Variant type: single nucleotide variant.
Coding change: c.560T>C on transcript NM_005918.4 (MANE Select); coding-DNA position 560, T replaced by C.
Protein change: p.Leu187Ser; replaces leucine 187 with serine.
Molecular consequence: missense variant.
Genome position (GRCh38, 1-based): chr7:76,063,519, T>C. VCF-style: chr7-76063519-T-C. GRCh37 (hg19) VCF-style: chr7-75692837-T-C.
Other names: c.434T>C, p.Leu145Ser (NM_001282403.2); c.239T>C, p.Leu80Ser (NM_001282404.2); short protein forms L80S, L187S, L145S.
Identifiers: ClinVar variation 1748629 (VCV001748629.2), dbSNP rs2535869516, ClinGen allele CA367766529.